The following is an entry in ClinVar:

ClinVar aggregate classification (germline): Uncertain significance (1 of 4 stars; one submission).

Conditions:
Myofibrillar myopathy 3 (MFM3). Also called: Autosomal dominant spheroid body myopathy; Muscular dystrophy, proximal, type 1A. Identifiers: Orphanet 266, Orphanet 268129, MedGen C3714934, MONDO:0012215, OMIM 609200.

Submission:

Labcorp Genetics (formerly Invitae), Labcorp
Classification: Uncertain significance for Myofibrillar myopathy 3. Last evaluated: 2017-05-31. Review status: criteria provided, single submitter. Criteria: Invitae Variant Classification Sherloc (09022015). Collection method: clinical testing. Allele origin: germline.
Comment: This sequence change replaces alanine with serine at codon 131 of the MYOT protein (p.Ala131Ser). The alanine residue is moderately conserved and there is a moderate physicochemical difference between alanine and serine. This variant is not present in population databases (ExAC no frequency). This variant has not been reported in the literature in individuals with a MYOT-related disease. Algorithms developed to predict the effect of missense changes on protein structure and function (SIFT, PolyPhen-2, Align-GVGD) all suggest that this variant is likely to be tolerated, but these predictions have not been confirmed by published functional studies and their clinical significance is uncertain. In summary, this variant has uncertain impact on MYOT function. The available evidence is currently insufficient to determine its role in disease. Therefore, it has been classified as a Variant of Uncertain Significance.

NM_006790.3(MYOT):c.391G>T (p.Ala131Ser)

Genes: PKD2L2-DT (PKD2L2 divergent transcript; minus strand), MYOT (myotilin; plus strand). Cytogenetic location: 5q31.2.
Variant type: single nucleotide variant.
Coding change: c.391G>T on transcript NM_006790.3 (MANE Select); coding-DNA position 391, G replaced by T.
Protein change: p.Ala131Ser; replaces alanine 131 with serine.
Molecular consequence: missense variant. On other transcripts: 5 prime UTR variant (1).
Genome position (GRCh38, 1-based): chr5:137,875,863, G>T. VCF-style: chr5-137875863-G-T. GRCh37 (hg19) VCF-style: chr5-137211552-G-T.
Other names: c.-162G>T (NM_001135940.2); c.46G>T, p.Ala16Ser (NM_001300911.2); short protein forms A131S, A16S.
Identifiers: ClinVar variation 464372 (VCV000464372.9), dbSNP rs1554102961, ClinGen allele CA361053985.